The following is an entry in ClinVar:

NM_001370466.1(NOD2):c.2096C>T (p.Ala699Val)

Gene: NOD2 (nucleotide binding oligomerization domain containing 2; plus strand). Cytogenetic location: 16q12.1.
Variant type: single nucleotide variant.
Coding change: c.2096C>T on transcript NM_001370466.1 (MANE Select); coding-DNA position 2096, C replaced by T.
Protein change: p.Ala699Val; replaces alanine 699 with valine.
Molecular consequence: missense variant. On other transcripts: non-coding transcript variant (1).
Genome position (GRCh38, 1-based): chr16:50,712,088, C>T. VCF-style: chr16-50712088-C-T. GRCh37 (hg19) VCF-style: chr16-50745999-C-T.
Other names: c.2096C>T, p.Ala699Val (NM_001293557.2); c.2177C>T, p.Ala726Val (NM_022162.3); short protein forms A726V, A699V.
Identifiers: ClinVar variation 2934983 (VCV002934983.3), dbSNP rs1333485422, ClinGen allele CA395871218.
Genomic context (GRCh38, chr16:50,712,088, plus strand): 5'-GTGCCCGCTGGTGTCTGGCCCGCAGCCTCCGCAAGCACTTCCACTCCATCCCGCCAGCTG[C>T]ACCGGGTGAGGCCAAGAGCGTGCATGCCATGCCCGGGTTCATCTGGCTCATCCGGAGCCT-3'
Protein context (NP_001357395.1, residues 689-709): RKHFHSIPPA[Ala699Val]PGEAKSVHAM

ClinVar aggregate classification (germline): Uncertain significance (1 of 4 stars; one submission).

Conditions:
Regional enteritis. Also called: Enteritis, Granulomatous. Identifiers: MedGen C0678202, MeSH D003424.
Blau syndrome (BLAUS). Also called: GRANULOMATOSIS, FAMILIAL JUVENILE SYSTEMIC; GRANULOMATOSIS, FAMILIAL, BLAU TYPE; GRANULOMATOUS INFLAMMATORY ARTHRITIS, DERMATITIS, AND UVEITIS, FAMILIAL; JABS SYNDROME; ARTHROCUTANEOUVEAL GRANULOMATOSIS. Identifiers: Orphanet 90340, MedGen C5201146, MONDO:0008523, OMIM 186580.

Allele frequency attached by ClinVar (database versions not stated): gnomAD exomes below 0.00001.
gnomAD v4.1: 1 of 1,613,860 alleles (0.000062%); highest among the groups gnomAD compares: Non-Finnish European, 0.000085%; no homozygotes.

Submission:

Labcorp Genetics (formerly Invitae), Labcorp
Classification: Uncertain significance for Regional enteritis; Blau syndrome. Last evaluated: 2023-11-19. Review status: criteria provided, single submitter. Criteria: Invitae Variant Classification Sherloc (09022015). Collection method: clinical testing. Allele origin: germline.
Comment: This sequence change replaces alanine, which is neutral and non-polar, with valine, which is neutral and non-polar, at codon 726 of the NOD2 protein (p.Ala726Val). This variant is present in population databases (no rsID available, gnomAD 0.0009%). This variant has not been reported in the literature in individuals affected with NOD2-related conditions. Advanced modeling of protein sequence and biophysical properties (such as structural, functional, and spatial information, amino acid conservation, physicochemical variation, residue mobility, and thermodynamic stability) performed at Invitae indicates that this missense variant is not expected to disrupt NOD2 protein function with a negative predictive value of 95%. In summary, the available evidence is currently insufficient to determine the role of this variant in disease. Therefore, it has been classified as a Variant of Uncertain Significance.